The following is an entry in ClinVar:

ClinVar aggregate classification (germline): Uncertain significance (1 of 4 stars; one submission).

Submission:

Ambry Genetics
Classification: Uncertain significance. Last evaluated: 2021-12-23. Review status: criteria provided, single submitter. Criteria: Ambry Variant Classification Scheme 2023. Collection method: clinical testing. Allele origin: germline.
Comment: The p.E1891G variant (also known as c.5672A>G), located in coding exon 8 of the ALPK2 gene, results from an A to G substitution at nucleotide position 5672. The glutamic acid at codon 1891 is replaced by glycine, an amino acid with similar properties. This amino acid position is conserved. In addition, this alteration is predicted to be tolerated by in silico analysis. Since supporting evidence is limited at this time, the clinical significance of this alteration remains unclear.

NM_052947.4(ALPK2):c.5672A>G (p.Glu1891Gly)

Gene: ALPK2 (alpha kinase 2; minus strand). Cytogenetic location: 18q21.31.
Variant type: single nucleotide variant.
Coding change: c.5672A>G on transcript NM_052947.4 (MANE Select); coding-DNA position 5672, A replaced by G.
Protein change: p.Glu1891Gly; replaces glutamic acid 1891 with glycine.
Molecular consequence: missense variant.
Genome position (GRCh38, 1-based): chr18:58,517,176, T>C on the plus strand (A>G on the coding strand, the complement: ALPK2 is on the minus strand). VCF-style: chr18-58517176-T-C. GRCh37 (hg19) VCF-style: chr18-56184408-T-C.
Other names: short protein forms E1891G.
Identifiers: ClinVar variation 1748980 (VCV001748980.2), dbSNP rs2518863053, ClinGen allele CA402549447.